The following is an entry in ClinVar:

NM_007294.4(BRCA1):c.5467G>A (p.Ala1823Thr)

Gene: BRCA1 (BRCA1 DNA repair associated; minus strand). Cytogenetic location: 17q21.31.
Variant type: single nucleotide variant.
Coding change: c.5467G>A on transcript NM_007294.4 (MANE Select); coding-DNA position 5467, G replaced by A.
Protein change: p.Ala1823Thr; replaces alanine 1823 with threonine.
Molecular consequence: missense variant. On other transcripts: non-coding transcript variant (1).
Genome position (GRCh38, 1-based): chr17:43,047,643, C>T on the plus strand (G>A on the coding strand, the complement: BRCA1 is on the minus strand). VCF-style: chr17-43047643-C-T. GRCh37 (hg19) VCF-style: chr17-41199660-C-T.
Other names: c.5389G>A, p.Ala1797Thr (NM_001407654.1, NM_001407655.1, NM_001407652.1 and 1 more transcripts); c.5386G>A, p.Ala1796Thr (NM_001407656.1, NM_001407657.1, NM_001407658.1); c.5383G>A, p.Ala1795Thr (NM_001407659.1, NM_001407660.1, NM_001407661.1 and 2 more transcripts); c.5326G>A, p.Ala1776Thr (NM_001407692.1, NM_001407694.1, NM_001407695.1 and 12 more transcripts); c.5200G>A, p.Ala1734Thr (NM_001407929.1, NM_001407930.1, NM_001407931.1 and 4 more transcripts); c.5197G>A, p.Ala1733Thr (NM_001407934.1, NM_001407935.1, NM_001407936.1); c.5270G>A, p.Cys1757Tyr (NM_001407937.1, NM_001407938.1); c.5464G>A, p.Ala1822Thr (NM_001407613.1, NM_001407614.1, NM_001407615.1 and 14 more transcripts); and 83 more; short protein forms A1823T, A1844T, A719T, A1776T, C694Y, A1526T, A1654T, A1696T.
Identifiers: ClinVar variation 55588 (VCV000055588.71), dbSNP rs80357212, ClinGen allele CA003618.
Genomic context (GRCh38, chr17:43,047,643, plus strand): 5'-TGATAAACCAAACCCATGCAAAAGGACCCCATATAGCACAGGTACATGCAGGCACCTTAC[C>T]ATGGAAGCCATTGTCCTCTGTCCAGGCATCTGGCTGCACAACCACAATTGGGTGGACACC-3'
Protein context (NP_009225.1, residues 1813-1833): DAWTEDNGFH[Ala1823Thr]IGQMCEAPVV

ClinVar aggregate classification (germline): Pathogenic/Likely pathogenic. Review status: criteria provided, multiple submitters, no conflicts (2 of 4 stars). 13 submissions from 13 submitters: Pathogenic (9); Likely pathogenic (1). 3 of the submissions do not count toward it. Last evaluated 2026-04-24.

Conditions:
Hereditary cancer-predisposing syndrome. Also called: Hereditary Cancer Syndrome; Hereditary neoplastic syndrome; Neoplastic Syndromes, Hereditary; Tumor predisposition. Identifiers: Orphanet 140162, MedGen C0027672, MeSH D009386, MONDO:0015356.
Inherited ovarian cancer (without breast cancer).
Breast-ovarian cancer, familial, susceptibility to, 1 (BROVCA1). Also called: BRCA1 Hereditary Breast and Ovarian Cancer; OVARIAN CANCER, SUSCEPTIBILITY TO. Identifiers: Orphanet 145, MedGen C2676676, MONDO:0011450, OMIM 604370. Disease mechanism: loss of function.
Hereditary breast ovarian cancer syndrome. Also called: BRCA1- and BRCA2-Associated Hereditary Breast and Ovarian Cancer; Hereditary breast and ovarian cancer syndrome; Hereditary breast and ovarian cancer syndrome (HBOC); Breast and ovarian cancer; Hereditary breast and/or ovarian cancer syndrome; Hereditary breast and ovarian cancer. Identifiers: Orphanet 145, MedGen C0677776, MeSH D061325, MONDO:0003582. Disease mechanism: loss of function.

Submissions 1 to 6 of 14:

Cambridge Genomics Laboratory, East Genomic Laboratory Hub, NHS Genomic Medicine Service
Classification: Pathogenic for Inherited ovarian cancer (without breast cancer). Last evaluated: 2026-04-24. Review status: criteria provided, single submitter. Criteria: ACGS Best Practice Guidelines for Variant Classification in Rare Disease 2020. Collection method: clinical testing. Allele origin: germline. Affected: yes.
Comment: PVS1_Moderate,PS1,PS4_Moderate,PM2,PP4

Molecular Diagnostics Laboratory, Catalan Institute of Oncology
Classification: Pathogenic for Hereditary cancer-predisposing syndrome. Last evaluated: 2025-04-02. Review status: criteria provided, single submitter. Criteria: ClinGen BRCA1BRCA2 ACMG Specifications BRCA1 V1.0.0. Collection method: clinical testing. Allele origin: germline.
Comment: PVS1_Strong (RNA), PS3, PM2_Supporting, PP4 c.5467G>A, located in the last nucleotide of BRCA1 exon 22 (23 according BIC nomenclature), is predicted to alter splicing, probably causing the skipping of such exon. This alteration is expected to result in loss of function by premature protein truncation before codon 1854 (r.5407_5467del; p.Gly1803Glnfs*11). Functional assays at RNA level have shown that this variant results, as predicted, in skipping of exon 22 and introduces a new termination codon; however, aberrant transcripts were not quantified (PMID: 12034536, 12915465) (PVS1_Strong (RNA)). It is not present in the population database gnomAD v2.1.1, non cancer dataset (PM2_supporting). Published clinical data for a multifactorial likelihood analysis (PMID: 31131967) showed a combined LR indicative of supporting evidence towards pathogenicity (LR 3.043), based on segregation (LR 0.9629) and tumour characteristics (LR 3.16) (PP4). Moreover, BRCA1 c.5467G>A was reported by one calibrated study incorporating mRNA splicing effect to affect pfunction similar to pathogenic control variants (PMID: 30209399) (PS3). In addition, the variant was also identified in the following databases: BRCA Exchange (Not Yet Reviewed), ClinVar (1x likely pathogenic, 8x pathogenic, 2x not provided) and LOVD (29 pathogenic, 7x as not provided). Based on the currently available information, c.5467G>A is classified as a pathogenic variant according to ClinGen-BRCA1 Guidelines version v1.0.0.

Labcorp Genetics (formerly Invitae), Labcorp
Classification: Pathogenic for Hereditary breast ovarian cancer syndrome. Last evaluated: 2024-06-18. Review status: criteria provided, single submitter. Criteria: Invitae Variant Classification Sherloc (09022015). Collection method: clinical testing. Allele origin: germline.
Comment: This sequence change affects codon 1823 of the BRCA1 mRNA. It is a 'silent' change, meaning that it does not change the encoded amino acid sequence of the BRCA1 protein. RNA analysis indicates that this variant induces altered splicing and likely disrupts the C-terminus of the protein. This variant is not present in population databases (gnomAD no frequency). This variant has been observed in individual(s) with breast cancer and/or ovarian cancer (PMID: 12034536, 16683254, 24010542, 29446198). ClinVar contains an entry for this variant (Variation ID: 55588). An algorithm developed to predict the effect of missense changes on protein structure and function (PolyPhen-2) suggests that this variant is likely to be tolerated. Experimental studies have shown that this variant affects BRCA1 function (PMID: 30209399). Variants that disrupt the consensus splice site are a relatively common cause of aberrant splicing (PMID: 17576681, 9536098). Studies have shown that this variant results in skipping of exon 22 and introduces a new termination codon (PMID: 12034536, 12915465). However the mRNA is not expected to undergo nonsense-mediated decay. This variant disrupts a region of the BRCA1 protein in which other variant(s) (p.Tyr1853*) have been determined to be pathogenic (PMID: 7894493, 10811118, 11739404, 12400015, 21922593; Invitae). This suggests that this is a clinically significant region of the protein, and that variants that disrupt it are likely to be disease-causing. For these reasons, this variant has been classified as Pathogenic.

Color Diagnostics, LLC DBA Color Health
Classification: Pathogenic for Hereditary cancer-predisposing syndrome. Last evaluated: 2024-03-05. Review status: criteria provided, single submitter. Criteria: ACMG Guidelines, 2015. Collection method: clinical testing. Allele origin: germline.
Comment: This missense variant replaces alanine with threonine at codon 1823 of the BRCA1 protein and alters the conserved guanine nucleotide at the end of exon 22. Splice site prediction tools suggest that this variant may have a significant impact on RNA splicing. RNA studies have reported that this variant caused the out-of-frame skipping of exon 22 that disrupted the BRCT domain in patient-derived RNA (PMID: 12034536), in mouse embryonic stem cell (PMID: 12915465) and was associated with decreased abundance of BRCA1 mRNA when expressed in haploid human cells (PMID: 30209399). A functional study has reported that this variant disrupted BRCA1 function in a haploid cell proliferation assay (PMID: 30209399). This variant has been reported in at least three individuals affected with breast cancer and in suspected hereditary breast and ovarian cancer families (PMID: 12034536, 16683254, 24010542, 29446198, 33471991; Leiden Open Variation Database DB-ID BRCA1_000481). This variant has not been identified in the general population by the Genome Aggregation Database (gnomAD). Loss of BRCA1 function is a known mechanism of disease. Based on the available evidence, this variant is classified as Pathogenic.

Women's Health and Genetics/Laboratory Corporation of America, LabCorp
Classification: Pathogenic for Hereditary breast ovarian cancer syndrome. Last evaluated: 2023-01-09. Review status: criteria provided, single submitter. Criteria: LabCorp Variant Classification Summary - May 2015. Collection method: clinical testing. Allele origin: germline.
Comment: Variant summary: BRCA1 c.5467G>A (p.Ala1823Thr) results in a non-conservative amino acid change located in the BRCT domain (IPR001357) of the encoded protein sequence. Three of five in-silico tools predict a benign effect of the variant on protein function. Several computational tools predict a significant impact on normal splicing: Four predict the variant weakens the canonical 5' donor site. The variant was absent in 251484 control chromosomes (gnomAD). c.5467G>A has been reported in the literature in multiple individuals affected with Hereditary Breast And Ovarian Cancer Syndrome (example: Rebbeck_2018). These data indicate that the variant is very likely to be associated with disease. Experimental evidence evaluating an impact on protein function through utilization of a cell-survival assay in a population of edited haploid HAP1 cells as a measure of functional HDR pathway, reported the variant as non-functional (reported as LOF) (Findlay_2018). Four submitters have submitted clinical-significance assessments for this variant to ClinVar after 2014 and all classified the variant as pathogenic. Based on the evidence outlined above, the variant was classified as pathogenic.

Cancer Variant Interpretation Group UK, Institute of Cancer Research, London
Classification: Likely pathogenic for Breast-ovarian cancer, familial, susceptibility to, 1. Last evaluated: 2019-06-01. Review status: criteria provided, single submitter. Criteria: ACMG Guidelines, 2015. Collection method: clinical testing. Allele origin: germline. Affected: yes.
Comment: Data included in classification: Last bp of exon 22 (G to non-G). Predicted to cause skipping of exon 23 (61 bases: out of frame). Findlay et al, 2018 BRCA1 HAP1 assay: LOF (Func score -3.187, RNA score -2 to-3). Walker et al 2013: Yang et al 2013; Engineered mouse model: northern and western blot, Functionally null protein, skipping of exon 23 (PS3_strong/very strong). % change SSF Score:-14.08497, % change MaxEnt Score: -53. Absent from all gnomAD populations (PM2_sup).